The following is an entry in ClinVar:

ClinVar aggregate classification (germline): Uncertain significance (1 of 4 stars; one submission).

gnomAD v4.1: 1 of 1,547,218 alleles (0.000065%); no homozygotes.

Submission:

CeGaT Center for Human Genetics Tuebingen
Classification: Uncertain significance. Last evaluated: 2025-09-01. Review status: criteria provided, single submitter. Criteria: CeGaT Center For Human Genetics Tuebingen Variant Classification Criteria Version 2. Collection method: clinical testing. Allele origin: germline. Affected: yes. Observed: 1 variant allele.
Comment: LAMA5: PM2, BP4

NM_005560.6(LAMA5):c.6838G>T (p.Ala2280Ser)

Gene: LAMA5 (laminin subunit alpha 5; minus strand). Cytogenetic location: 20q13.33.
Variant type: single nucleotide variant.
Coding change: c.6838G>T on transcript NM_005560.6 (MANE Select); coding-DNA position 6838, G replaced by T.
Protein change: p.Ala2280Ser; replaces alanine 2280 with serine.
Molecular consequence: missense variant.
Genome position (GRCh38, 1-based): chr20:62,319,717, C>A on the plus strand (G>T on the coding strand, the complement: LAMA5 is on the minus strand). VCF-style: chr20-62319717-C-A. GRCh37 (hg19) VCF-style: chr20-60894773-C-A.
Other names: short protein forms A2280S.
Identifiers: ClinVar variation 4281370 (VCV004281370.7).